The following is an entry in ClinVar:

NM_001080517.3(SETD5):c.1789G>A (p.Ala597Thr)

Gene: SETD5 (SET domain containing 5; plus strand). Cytogenetic location: 3p25.3.
Variant type: single nucleotide variant.
Coding change: c.1789G>A on transcript NM_001080517.3 (MANE Select); coding-DNA position 1789, G replaced by A.
Protein change: p.Ala597Thr; replaces alanine 597 with threonine.
Molecular consequence: missense variant.
Genome position (GRCh38, 1-based): chr3:9,447,692, G>A. VCF-style: chr3-9447692-G-A. GRCh37 (hg19) VCF-style: chr3-9489376-G-A.
Other names: c.1495G>A, p.Ala499Thr (NM_001292043.2, NM_001349451.2); c.1789G>A (NM_001080517.1); short protein forms A499T, A597T.
Identifiers: ClinVar variation 733991 (VCV000733991.13), dbSNP rs371738111, ClinGen allele CA2239305.

ClinVar aggregate classification (germline): Likely benign. Review status: criteria provided, multiple submitters, no conflicts (2 of 4 stars). 4 submissions from 4 submitters: Likely benign (3). 1 of the submissions does not count toward it. Last evaluated 2026-06-01.

Conditions:
Inborn genetic diseases. Identifiers: MedGen C0950123, MeSH D030342.
SETD5-related disorder. Also called: SETD5-related disorders; SETD5-related condition.

Allele frequency attached by ClinVar (database versions not stated): gnomAD exomes 0.00002 and 0.00008; ExAC 0.00012; 1000 Genomes Project 30x 0.00016; ESP Exome Variant Server 0.00017; 1000 Genomes Project 0.00020; gnomAD 0.00021; TOPMed 0.00025.
gnomAD v4.1: 62 of 1,613,654 alleles (0.0038%); highest among the groups gnomAD compares: African/African-American, 0.069%; no homozygotes.

Submissions (4):

CeGaT Center for Human Genetics Tuebingen
Classification: Likely benign. Last evaluated: 2026-06-01. Review status: criteria provided, single submitter. Criteria: CeGaT Center For Human Genetics Tuebingen Variant Classification Criteria Version 2. Collection method: clinical testing. Allele origin: germline. Affected: yes. Observed: 1 variant allele.
Comment: SETD5: BP4

Labcorp Genetics (formerly Invitae), Labcorp
Classification: Likely benign. Last evaluated: 2026-01-01. Review status: criteria provided, single submitter. Criteria: Invitae Variant Classification Sherloc (09022015). Collection method: clinical testing. Allele origin: germline.

Ambry Genetics
Classification: Likely benign for Inborn genetic diseases. Last evaluated: 2021-10-05. Review status: criteria provided, single submitter. Criteria: Ambry Variant Classification Scheme 2023. Collection method: clinical testing. Allele origin: germline.

PreventionGenetics, part of Exact Sciences
Classification: Likely benign for SETD5-related condition. Last evaluated: 2023-04-25. Review status: no assertion criteria provided. Collection method: clinical testing. Allele origin: germline. Not counted in ClinVar's aggregate classification.
Comment: This variant is classified as likely benign based on ACMG/AMP sequence variant interpretation guidelines (Richards et al. 2015 PMID: 25741868, with internal and published modifications).